The following is an entry in ClinVar:

NM_000481.4(AMT):c.697-14G>A

Gene: AMT (aminomethyltransferase; minus strand). Cytogenetic location: 3p21.31.
Variant type: single nucleotide variant.
Coding change: c.697-14G>A on transcript NM_000481.4 (MANE Select); 14 bases into the intron before coding-DNA position 697, G replaced by A.
Molecular consequence: intron variant.
Genome position (GRCh38, 1-based): chr3:49,419,165, C>T on the plus strand (G>A on the coding strand, the complement: AMT is on the minus strand). VCF-style: chr3-49419165-C-T. GRCh37 (hg19) VCF-style: chr3-49456598-C-T.
Other names: c.529-14G>A (NM_001164711.2); c.565-14G>A (NM_001164710.2); c.697-14G>A (NM_001164712.2).
Identifiers: ClinVar variation 1928093 (VCV001928093.5), dbSNP rs2049054743, ClinGen allele CA1047751561.
Genomic context (GRCh38, chr3:49,419,165, plus strand): 5'-AGAATAGCTGTTGCCAGGTGAACTGCCCCCGCTACCGGCACCGAGATCTGTATGAAACAC[C>T]AGAGGGCAGATGGGAAGCTCCCTGTACCACATACCCCCAACCCCTCACATGCATCCTGTG-3'

ClinVar aggregate classification (germline): Uncertain significance (1 of 4 stars; one submission).

Conditions:
Glycine encephalopathy. Also called: Non-ketotic hyperglycinemia; Nonketotic hyperglycinemia. Identifiers: Orphanet 407, MedGen C0751748, MONDO:0011612, HP:0008288.

Allele frequency attached by ClinVar (database versions not stated): TOPMed below 0.00001; gnomAD 0.00001.
gnomAD v4.1: 6 of 1,613,700 alleles (0.00037%); highest among the groups gnomAD compares: South Asian, 0.0055%; no homozygotes.

Submission:

Labcorp Genetics (formerly Invitae), Labcorp
Classification: Uncertain significance for Glycine encephalopathy. Last evaluated: 2022-01-21. Review status: criteria provided, single submitter. Criteria: Invitae Variant Classification Sherloc (09022015). Collection method: clinical testing. Allele origin: germline.
Comment: This sequence change falls in intron 6 of the AMT gene. It does not directly change the encoded amino acid sequence of the AMT protein. This variant is not present in population databases (gnomAD no frequency). This variant has not been reported in the literature in individuals affected with AMT-related conditions. Algorithms developed to predict the effect of sequence changes on RNA splicing suggest that this variant may create or strengthen a splice site. In summary, the available evidence is currently insufficient to determine the role of this variant in disease. Therefore, it has been classified as a Variant of Uncertain Significance.